The following is an entry in ClinVar:

ClinVar aggregate classification (germline): Pathogenic (1 of 4 stars; one submission).

Conditions:
Epilepsy, familial focal, with variable foci 3 (FFEVF3). Identifiers: MedGen C4310708, MONDO:0014925, OMIM 617118.

Submission:

Labcorp Genetics (formerly Invitae), Labcorp
Classification: Pathogenic for Epilepsy, familial focal, with variable foci 3. Last evaluated: 2019-02-26. Review status: criteria provided, single submitter. Criteria: Invitae Variant Classification Sherloc (09022015). Collection method: clinical testing. Allele origin: germline.
Comment: For these reasons, this variant has been classified as Pathogenic. Loss-of-function variants in NPRL3 are known to be pathogenic (PMID: 26285051, 26505888). This variant has not been reported in the literature in individuals with NPRL3-related conditions. This variant is not present in population databases (ExAC no frequency). This sequence change creates a premature translational stop signal (p.Tyr318*) in the NPRL3 gene. It is expected to result in an absent or disrupted protein product.

Literature cited by the submitters: PubMed 26285051; PubMed 26505888.

NM_001077350.3(NPRL3):c.954C>G (p.Tyr318Ter)

Genes: HBA-LCR (alpha-globin locus control region; plus strand), NPRL3 (NPR3 like, GATOR1 complex subunit; minus strand). Cytogenetic location: 16p13.3.
Variant type: single nucleotide variant.
Coding change: c.954C>G on transcript NM_001077350.3 (MANE Select); coding-DNA position 954, C replaced by G.
Protein change: p.Tyr318Ter; replaces tyrosine 318 with a stop codon.
Molecular consequence: nonsense.
Genome position (GRCh38, 1-based): chr16:93,296, G>C on the plus strand (C>G on the coding strand, the complement: NPRL3 is on the minus strand). VCF-style: chr16-93296-G-C. GRCh37 (hg19) VCF-style: chr16-143294-G-C.
Other names: c.417C>G, p.Tyr139Ter (NM_001039476.3); c.720C>G, p.Tyr240Ter (NM_001243247.2); c.879C>G, p.Tyr293Ter (NM_001243248.2, NM_001243249.2); short protein forms Y240*, Y318*, Y139*, Y293*.
Identifiers: ClinVar variation 652768 (VCV000652768.8), dbSNP rs1596500172, ClinGen allele CA394053715.
Genomic context (GRCh38, chr16:93,296, plus strand): 5'-GGGAGACAGCATGTAGACGTTGTTCTCACACAGCGGGTAGATGATGATGGCCTTGCCCCA[G>C]TACACCAGATGAGCTGCAAGCTGGAAAACCTGCAGGCAAAAGGGAAGCTGCAAGGACCAT-3'